The following is an entry in ClinVar:

ClinVar aggregate classification (germline): other (0 of 4 stars; one submission).

Conditions:
Familial colorectal cancer. Identifiers: MedGen CN280943, MONDO:0023113. Disease mechanism: loss of function.

Submission:

Systems Biology Platform Zhejiang California International NanoSystems Institute
Classification: other for Familial colorectal cancer. Review status: no assertion criteria provided. Collection method: not provided. Allele origin: unknown.
ClinVar note: Converted during submission from cancer to other.

NM_000038.6(APC):c.-19+6803G>A

Gene: APC (APC regulator of WNT signaling pathway; plus strand). Cytogenetic location: 5q22.2.
Variant type: single nucleotide variant.
Coding change: c.-19+6803G>A on transcript NM_000038.6 (MANE Select); 6803 bases into the intron after 19 bases upstream of the start codon, G replaced by A.
Molecular consequence: intron variant.
Genome position (GRCh38, 1-based): chr5:112,744,728, G>A. VCF-style: chr5-112744728-G-A. GRCh37 (hg19) VCF-style: chr5-112080425-G-A.
Other names: c.-18-10145G>A (NM_001354895.2); c.166-21598G>A (NM_001354897.2, NM_001354902.2, NM_001127511.3); c.-19+6268G>A (NM_001127510.3); c.60+6268G>A (NM_001354898.2, NM_001354904.2); c.-1054+6803G>A (NM_001354906.2); c.-19+6803G>A (NM_001354896.2, NM_001354903.2, NM_001354899.2); c.-43+6803G>A (NM_001354900.2, NM_001354901.2, NM_001354905.2).
Identifiers: ClinVar variation 82767 (VCV000082767.2), dbSNP rs76198215, ClinGen allele CA006922.